The following is an entry in ClinVar:

ClinVar aggregate classification (germline): Uncertain significance. Review status: criteria provided, single submitter (1 of 4 stars). 2 submissions from 2 submitters: Uncertain significance (1). 1 of the submissions does not count toward it. Last evaluated 2022-08-23.

Conditions:
Cohen syndrome (COH1). Also called: Cutis verticis gyrata, retinitis pigmentosa, and sensorineural deafness; PEPPER SYNDROME. Identifiers: Orphanet 193, MedGen C0265223, MONDO:0008999, OMIM 216550.

Allele frequency attached by ClinVar (database versions not stated): gnomAD exomes below 0.00001 and 0.00001.
gnomAD v4.1: 4 of 1,614,132 alleles (0.00025%); highest among the groups gnomAD compares: Middle Eastern, 0.016%; no homozygotes.

Submissions (2):

Labcorp Genetics (formerly Invitae), Labcorp
Classification: Uncertain significance for Cohen syndrome. Last evaluated: 2022-08-23. Review status: criteria provided, single submitter. Criteria: Invitae Variant Classification Sherloc (09022015). Collection method: clinical testing. Allele origin: germline.
Comment: This sequence change replaces lysine, which is basic and polar, with glutamic acid, which is acidic and polar, at codon 2217 of the VPS13B protein (p.Lys2217Glu). This variant is present in population databases (no rsID available, gnomAD 0.002%). This variant has not been reported in the literature in individuals affected with VPS13B-related conditions. ClinVar contains an entry for this variant (Variation ID: 971424). Algorithms developed to predict the effect of missense changes on protein structure and function are either unavailable or do not agree on the potential impact of this missense change (SIFT: "Not Available"; PolyPhen-2: "Benign"; Align-GVGD: "Not Available"). In summary, the available evidence is currently insufficient to determine the role of this variant in disease. Therefore, it has been classified as a Variant of Uncertain Significance.

Natera, Inc.
Classification: Uncertain significance for Cohen syndrome. Last evaluated: 2025-03-11. Review status: no assertion criteria provided. Collection method: clinical testing. Allele origin: germline. Not counted in ClinVar's aggregate classification.

NM_152564.5(VPS13B):c.6574A>G (p.Lys2192Glu)

Gene: VPS13B (vacuolar protein sorting 13 homolog B; plus strand). Cytogenetic location: 8q22.2.
Variant type: single nucleotide variant.
Coding change: c.6574A>G on transcript NM_152564.5 (MANE Select); coding-DNA position 6574, A replaced by G.
Protein change: p.Lys2192Glu; replaces lysine 2192 with glutamic acid.
Molecular consequence: missense variant.
Genome position (GRCh38, 1-based): chr8:99,717,290, A>G. VCF-style: chr8-99717290-A-G. GRCh37 (hg19) VCF-style: chr8-100729518-A-G.
Other names: c.6649A>G, p.Lys2217Glu (NM_017890.5); short protein forms K2192E, K2217E.
Identifiers: ClinVar variation 971424 (VCV000971424.7), dbSNP rs1357919606, ClinGen allele CA371867327.